The following is an entry in ClinVar:

NM_024422.6(DSC2):c.2463C>A (p.Tyr821Ter)

Gene: DSC2 (desmocollin 2; minus strand). Cytogenetic location: 18q12.1.
Variant type: single nucleotide variant.
Coding change: c.2463C>A on transcript NM_024422.6 (MANE Select); coding-DNA position 2463, C replaced by A.
Protein change: p.Tyr821Ter; replaces tyrosine 821 with a stop codon.
Molecular consequence: nonsense.
Genome position (GRCh38, 1-based): chr18:31,068,939, G>T on the plus strand (C>A on the coding strand, the complement: DSC2 is on the minus strand). VCF-style: chr18-31068939-G-T. GRCh37 (hg19) VCF-style: chr18-28648905-G-T.
Other names: c.2463C>A, p.Tyr821Ter (NM_004949.5); short protein forms Y821*.
Identifiers: ClinVar variation 575762 (VCV000575762.9), dbSNP rs1567971476, ClinGen allele CA402111220.

ClinVar aggregate classification (germline): Conflicting classifications of pathogenicity. Review status: criteria provided, conflicting classifications (1 of 4 stars). 3 submissions from 3 submitters: Pathogenic (1); Uncertain significance (2). Last evaluated 2025-10-04.

Conditions:
Cardiomyopathy (CMYO). Also called: Cardiomyopathies. Identifiers: Orphanet 167848, MedGen C0878544, MONDO:0004994, HP:0001638. Inheritance: Various modes of inheritance.
Arrhythmogenic right ventricular dysplasia 11. Also called: Arrhythmogenic Right Ventricular Dysplasia/Cardiomyopathy11; ARRHYTHMOGENIC RIGHT VENTRICULAR DYSPLASIA, FAMILIAL, 11; Arrhythmogenic right ventricular dysplasia 11 with mild palmoplantar keratoderma and woolly hair. Identifiers: MedGen C1864850, MONDO:0012506, OMIM 610476.

Submissions (3):

Labcorp Genetics (formerly Invitae), Labcorp
Classification: Pathogenic for Arrhythmogenic right ventricular dysplasia 11. Last evaluated: 2025-10-04. Review status: criteria provided, single submitter. Criteria: Invitae Variant Classification Sherloc (09022015). Collection method: clinical testing. Allele origin: germline.
Comment: This sequence change creates a premature translational stop signal (p.Tyr821*) in the DSC2 gene. It is expected to result in an absent or disrupted protein product. Loss-of-function variants in DSC2 are known to be pathogenic (PMID: 23911551). This variant is not present in population databases (gnomAD no frequency). This variant has not been reported in the literature in individuals affected with DSC2-related conditions. ClinVar contains an entry for this variant (Variation ID: 575762). For these reasons, this variant has been classified as Pathogenic.

Dasa
Classification: Uncertain significance. Last evaluated: 2025-08-22. Review status: criteria provided, single submitter. Criteria: DASA Assertion Criteria. Collection method: clinical testing. Allele origin: germline.
Comment: NM_024422.6(DSC2):c.2463C>A (p.Tyr821*) is a nonsense variant in DSC2 predicted to introduce a premature termination codon and is predicted to result in an absent or altered protein product. This variant is absent from population databases. The currently available literature and clinical evidence are not sufficient to establish a definitive association between this variant and the reported condition. Therefore, this variant is classified as a variant of uncertain significance.

Color Diagnostics, LLC DBA Color Health
Classification: Uncertain significance for Cardiomyopathy. Last evaluated: 2025-05-21. Review status: criteria provided, single submitter. Criteria: ACMG Guidelines, 2015. Collection method: clinical testing. Allele origin: germline.
Comment: This variant results in a single nucleotide substitution in exon 15 of the DSC2 gene, creating a premature translation stop signal. This variant is expected to result in an absent or non-functional protein product. This variant has not been reported in individuals affected with cardiovascular disorders in the literature. This variant has not been identified in the general population by the Genome Aggregation Database (gnomAD). While loss-of-function variants in the DSC2 gene have been reported in individuals with autosomal recessive arrhythmogenic cardiomyopathy, their role in autosomal dominant phenotype is not clearly understood. Due to insufficient evidence, this variant is classified as a Variant of Uncertain Significance for autosomal dominant arrhythmogenic cardiomyopathy.

Literature cited by the submitters: PubMed 23911551 (cited by Labcorp Genetics (formerly Invitae), Labcorp).